The following is an entry in ClinVar:

NM_017662.5(TRPM6):c.1292A>G (p.Tyr431Cys)

Gene: TRPM6 (transient receptor potential cation channel subfamily M member 6; minus strand). Cytogenetic location: 9q21.13.
Variant type: single nucleotide variant.
Coding change: c.1292A>G on transcript NM_017662.5 (MANE Select); coding-DNA position 1292, A replaced by G.
Protein change: p.Tyr431Cys; replaces tyrosine 431 with cysteine.
Molecular consequence: missense variant.
Genome position (GRCh38, 1-based): chr9:74,816,685, T>C on the plus strand (A>G on the coding strand, the complement: TRPM6 is on the minus strand). VCF-style: chr9-74816685-T-C. GRCh37 (hg19) VCF-style: chr9-77431601-T-C.
Other names: c.1292A>G (NM_017662.4); c.1277A>G, p.Tyr426Cys (NM_001177310.2, NM_001177311.2); short protein forms Y431C, Y426C.
Identifiers: ClinVar variation 2186588 (VCV002186588.4), dbSNP rs77006150, ClinGen allele CA5084891.

ClinVar aggregate classification (germline): Uncertain significance. Review status: criteria provided, multiple submitters, no conflicts (2 of 4 stars). 2 submissions from 2 submitters: Uncertain significance (2). Last evaluated 2025-11-03.

Conditions:
Inborn genetic diseases. Identifiers: MedGen C0950123, MeSH D030342.

Allele frequency attached by ClinVar (database versions not stated): ExAC 0.00002; gnomAD 0.00002; gnomAD exomes 0.00002; TOPMed 0.00002.
gnomAD v4.1: 31 of 1,613,782 alleles (0.0019%); highest among the groups gnomAD compares: Admixed American, 0.017%; no homozygotes.

Submissions (2):

Ambry Genetics
Classification: Uncertain significance for Inborn genetic diseases. Last evaluated: 2025-11-03. Review status: criteria provided, single submitter. Criteria: Ambry Variant Classification Scheme 2023. Collection method: clinical testing. Allele origin: germline.

Labcorp Genetics (formerly Invitae), Labcorp
Classification: Uncertain significance. Last evaluated: 2022-05-21. Review status: criteria provided, single submitter. Criteria: Invitae Variant Classification Sherloc (09022015). Collection method: clinical testing. Allele origin: germline.
Comment: In summary, the available evidence is currently insufficient to determine the role of this variant in disease. Therefore, it has been classified as a Variant of Uncertain Significance. Algorithms developed to predict the effect of missense changes on protein structure and function output the following: SIFT: "Deleterious"; PolyPhen-2: "Benign"; Align-GVGD: "Class C25". The cysteine amino acid residue is found in multiple mammalian species, which suggests that this missense change does not adversely affect protein function. This variant has not been reported in the literature in individuals affected with TRPM6-related conditions. This variant is present in population databases (rs77006150, gnomAD 0.02%). This sequence change replaces tyrosine, which is neutral and polar, with cysteine, which is neutral and slightly polar, at codon 431 of the TRPM6 protein (p.Tyr431Cys).